The following is an entry in ClinVar:

ClinVar aggregate classification (germline): Pathogenic (1 of 4 stars; one submission).

Submission:

Labcorp Genetics (formerly Invitae), Labcorp
Classification: Pathogenic. Last evaluated: 2018-10-19. Review status: criteria provided, single submitter. Criteria: Invitae Variant Classification Sherloc (09022015). Collection method: clinical testing. Allele origin: germline.
Comment: For these reasons, this variant has been classified as Pathogenic. Loss-of-function variants in USH2A are known to be pathogenic (PMID: 10729113, 10909849, 20507924, 25649381). This variant has not been reported in the literature in individuals with USH2A-related disease. This variant is not present in population databases (ExAC no frequency). This sequence change creates a premature translational stop signal (p.Gly4265Valfs*6) in the USH2A gene. It is expected to result in an absent or disrupted protein product.

Literature cited by the submitters: PubMed 10729113; PubMed 10909849; PubMed 20507924; PubMed 25649381.

NM_206933.4(USH2A):c.12794del (p.Gly4265fs)

Gene: USH2A (usherin; minus strand). Cytogenetic location: 1q41.
Variant type: Deletion.
Coding change: c.12794del on transcript NM_206933.4 (MANE Select); coding-DNA position 12794, one base deleted (G; older notation c.12794delG).
Protein change: p.Gly4265fs; shifts the reading frame from glycine 4265.
Molecular consequence: frameshift variant.
Genome position (GRCh38, 1-based): chr1:215,675,117, C deleted on the plus strand (G on the coding strand, the reverse complement: USH2A is on the minus strand); the first of 2 consecutive C bases (chr1:215,675,117-215,675,118); deleting either gives the same sequence. VCF-style (leftmost placement, unchanged base first): chr1-215675116-AC-A. GRCh37 (hg19) VCF-style: chr1-215848458-AC-A.
Other names: c.12794delG (NM_206933.2); short protein forms G4265fs.
Identifiers: ClinVar variation 656749 (VCV000656749.6), dbSNP rs1571949264, ClinGen allele CA915942028.